The following is an entry in ClinVar:

NM_007194.4(CHEK2):c.446A>T (p.Glu149Val)

Gene: CHEK2 (checkpoint kinase 2; minus strand). Cytogenetic location: 22q12.1.
Variant type: single nucleotide variant.
Coding change: c.446A>T on transcript NM_007194.4 (MANE Select); coding-DNA position 446, A replaced by T.
Protein change: p.Glu149Val; replaces glutamic acid 149 with valine.
Molecular consequence: missense variant. On other transcripts: intron variant (1), 5 prime UTR variant (2).
Genome position (GRCh38, 1-based): chr22:28,725,123, T>A on the plus strand (A>T on the coding strand, the complement: CHEK2 is on the minus strand). VCF-style: chr22-28725123-T-A. GRCh37 (hg19) VCF-style: chr22-29121111-T-A.
Other names: c.539A>T, p.Glu180Val (NM_001438293.1, NM_001438295.1); c.575A>T, p.Glu192Val (NM_001438294.1, NM_001005735.3); c.446A>T, p.Glu149Val (NM_145862.3); c.444+120A>T (NM_001349956.3); c.-332A>T (NM_001257387.3); c.-218A>T (NM_001437942.1); short protein forms E192V, E149V, E180V.
Identifiers: ClinVar variation 4002271 (VCV004002271.1).

ClinVar aggregate classification (germline): Uncertain significance (1 of 4 stars; one submission).

Conditions:
Hereditary cancer-predisposing syndrome. Also called: Tumor predisposition; Hereditary neoplastic syndrome; Neoplastic Syndromes, Hereditary; Hereditary Cancer Syndrome. Identifiers: Orphanet 140162, MedGen C0027672, MeSH D009386, MONDO:0015356.

Submission:

Ambry Genetics
Classification: Uncertain significance for Hereditary cancer-predisposing syndrome. Last evaluated: 2025-05-20. Review status: criteria provided, single submitter. Criteria: Ambry Variant Classification Scheme 2023. Collection method: clinical testing. Allele origin: germline.
Comment: The p.E149V variant (also known as c.446A>T), located in coding exon 3 of the CHEK2 gene, results from an A to T substitution at nucleotide position 446. The glutamic acid at codon 149 is replaced by valine, an amino acid with dissimilar properties. This amino acid position is conserved. In addition, this alteration is predicted to be deleterious by in silico analysis. Based on the available evidence, the clinical significance of this variant remains unclear.